The following is an entry in ClinVar:

NM_000302.4(PLOD1):c.1670_1671delinsAA (p.Trp557Ter)

Gene: PLOD1 (procollagen-lysine,2-oxoglutarate 5-dioxygenase 1; plus strand). Cytogenetic location: 1p36.22.
Variant type: Indel.
Coding change: c.1670_1671delinsAA on transcript NM_000302.4 (MANE Select); coding-DNA positions 1670 to 1671, GG replaced by AA.
Protein change: p.Trp557Ter; replaces tryptophan 557 with a stop codon.
Molecular consequence: nonsense.
Genome position (GRCh38, 1-based): chr1:11,967,006-11,967,007, GG replaced by AA. VCF-style: chr1-11967006-GG-AA. GRCh37 (hg19) VCF-style: chr1-12027063-GG-AA.
Other names: c.1811_1812delinsAA, p.Trp604Ter (NM_001316320.2); short protein forms W557*, W604*.
Identifiers: ClinVar variation 2808247 (VCV002808247.3), dbSNP rs2522861951, ClinGen allele CA2739272300.
Genomic context (GRCh38, chr1:11,967,006, plus strand): 5'-GCCACTGTGGACCCCCTTGACTGAGTCCCTGCCCTCCCCAGCCCTGCCCGGATGTCTATT[GG>AA]TTCCCCATCTTCACGGAGGTGGCCTGTGATGAGCTGGTGGAGGAGATGGAGCACTTTGGC-3'

ClinVar aggregate classification (germline): Pathogenic (1 of 4 stars; one submission).

Conditions:
Ehlers-Danlos syndrome, kyphoscoliotic type 1 (EDSKSCL1). Also called: EHLERS-DANLOS SYNDROME, OCULAR-SCOLIOTIC TYPE; PLOD1-Related Kyphoscoliotic Ehlers-Danlos Syndrome; EHLERS-DANLOS SYNDROME, TYPE VIA; Ehlers-Danlos syndrome, hydroxylysine-deficient. Identifiers: Orphanet 1900, MedGen C0268342, MONDO:0016002, OMIM 225400. Disease mechanism: loss of function.

Submission:

Labcorp Genetics (formerly Invitae), Labcorp
Classification: Pathogenic for Ehlers-Danlos syndrome, kyphoscoliotic type 1. Last evaluated: 2023-04-28. Review status: criteria provided, single submitter. Criteria: Invitae Variant Classification Sherloc (09022015). Collection method: clinical testing. Allele origin: germline.
Comment: This sequence change creates a premature translational stop signal (p.Trp557*) in the PLOD1 gene. It is expected to result in an absent or disrupted protein product. Loss-of-function variants in PLOD1 are known to be pathogenic (PMID: 10874315, 21699693). Information on the frequency of this variant in the gnomAD database is not available, as this variant may be reported differently in the database. For these reasons, this variant has been classified as Pathogenic. This variant has not been reported in the literature in individuals affected with PLOD1-related conditions.

Literature cited by the submitters: PubMed 10874315; PubMed 21699693.